The following is an entry in ClinVar:

NM_000821.7(GGCX):c.1246C>T (p.Arg416Cys)

Gene: GGCX (gamma-glutamyl carboxylase; minus strand). Cytogenetic location: 2p11.2.
Variant type: single nucleotide variant.
Coding change: c.1246C>T on transcript NM_000821.7 (MANE Select); coding-DNA position 1246, C replaced by T.
Protein change: p.Arg416Cys; replaces arginine 416 with cysteine.
Molecular consequence: missense variant.
Genome position (GRCh38, 1-based): chr2:85,552,980, G>A on the plus strand (C>T on the coding strand, the complement: GGCX is on the minus strand). VCF-style: chr2-85552980-G-A. GRCh37 (hg19) VCF-style: chr2-85780103-G-A.
Other names: c.1075C>T, p.Arg359Cys (NM_001142269.4); short protein forms R359C, R416C.
Identifiers: ClinVar variation 3684602 (VCV003684602.2).

ClinVar aggregate classification (germline): Uncertain significance (1 of 4 stars; one submission).

gnomAD v4.1: 6 of 1,613,994 alleles (0.00037%); highest among the groups gnomAD compares: East Asian, 0.0022%; no homozygotes.

Submission:

Labcorp Genetics (formerly Invitae), Labcorp
Classification: Uncertain significance. Last evaluated: 2024-03-02. Review status: criteria provided, single submitter. Criteria: Invitae Variant Classification Sherloc (09022015). Collection method: clinical testing. Allele origin: germline.
Comment: This sequence change replaces arginine, which is basic and polar, with cysteine, which is neutral and slightly polar, at codon 416 of the GGCX protein (p.Arg416Cys). This variant is present in population databases (rs751742099, gnomAD 0.006%). This variant has not been reported in the literature in individuals affected with GGCX-related conditions. An algorithm developed to predict the effect of missense changes on protein structure and function (PolyPhen-2) suggests that this variant is likely to be disruptive. In summary, the available evidence is currently insufficient to determine the role of this variant in disease. Therefore, it has been classified as a Variant of Uncertain Significance.